The following is an entry in ClinVar:

NM_002103.5(GYS1):c.872A>G (p.His291Arg)

Gene: GYS1 (glycogen synthase 1; minus strand). Cytogenetic location: 19q13.33.
Variant type: single nucleotide variant.
Coding change: c.872A>G on transcript NM_002103.5 (MANE Select); coding-DNA position 872, A replaced by G.
Protein change: p.His291Arg; replaces histidine 291 with arginine.
Molecular consequence: missense variant. On other transcripts: non-coding transcript variant (1).
Genome position (GRCh38, 1-based): chr19:48,982,789, T>C on the plus strand (A>G on the coding strand, the complement: GYS1 is on the minus strand). VCF-style: chr19-48982789-T-C. GRCh37 (hg19) VCF-style: chr19-49486046-T-C.
Other names: c.680A>G, p.His227Arg (NM_001161587.2); short protein forms H227R, H291R.
Identifiers: ClinVar variation 1023691 (VCV001023691.7), dbSNP rs967075263, ClinGen allele CA309396372.

ClinVar aggregate classification (germline): Uncertain significance (1 of 4 stars; one submission).

Conditions:
Glycogen storage disease due to muscle and heart glycogen synthase deficiency. Also called: GSD 0b; MUSCLE GLYCOGEN SYNTHASE DEFICIENCY. Identifiers: Orphanet 137625, MedGen C1969054, MONDO:0012693, OMIM 611556.

gnomAD v4.1: 2 of 1,613,980 alleles (0.00012%); highest among the groups gnomAD compares: East Asian, 0.0022%; no homozygotes.

Submission:

Labcorp Genetics (formerly Invitae), Labcorp
Classification: Uncertain significance for Glycogen storage disease due to muscle and heart glycogen synthase deficiency. Last evaluated: 2020-09-01. Review status: criteria provided, single submitter. Criteria: Invitae Variant Classification Sherloc (09022015). Collection method: clinical testing. Allele origin: germline.
Comment: In summary, the available evidence is currently insufficient to determine the role of this variant in disease. Therefore, it has been classified as a Variant of Uncertain Significance. Algorithms developed to predict the effect of sequence changes on RNA splicing suggest that this variant may create or strengthen a splice site, but this prediction has not been confirmed by published transcriptional studies. Algorithms developed to predict the effect of missense changes on protein structure and function are either unavailable or do not agree on the potential impact of this missense change (SIFT: "Deleterious"; PolyPhen-2: "Possibly Damaging"; Align-GVGD: "Class C0"). This variant has not been reported in the literature in individuals with GYS1-related conditions. This variant is not present in population databases (ExAC no frequency). This sequence change replaces histidine with arginine at codon 291 of the GYS1 protein (p.His291Arg). The histidine residue is highly conserved and there is a small physicochemical difference between histidine and arginine.